The following is an entry in ClinVar:

NM_000257.4(MYH7):c.4911_4913delinsTCGGCTTCTGGGCCTCG (p.Glu1638fs)

Genes: MHRT (myosin heavy chain associated RNA transcript; plus strand), MYH7 (myosin heavy chain 7; minus strand), LOC126861897 (BRD4-independent group 4 enhancer GRCh37_chr14:23884455-23885654; plus strand). Cytogenetic location: 14q11.2.
Variant type: Indel.
Coding change: c.4911_4913delinsTCGGCTTCTGGGCCTCG on transcript NM_000257.4 (MANE Select); coding-DNA positions 4911 to 4913, CGA replaced by TCGGCTTCTGGGCCTCG.
Protein change: p.Glu1638fs; shifts the reading frame from glutamic acid 1638.
Molecular consequence: frameshift variant. On other transcripts: non-coding transcript variant (1).
Genome position (GRCh38, 1-based): chr14:23,416,044-23,416,046, TCG replaced by CGAGGCCCAGAAGCCGA on the plus strand (CGA replaced by TCGGCTTCTGGGCCTCG on the coding strand, the reverse complement: MYH7 is on the minus strand). VCF-style: chr14-23416044-TCG-CGAGGCCCAGAAGCCGA. GRCh37 (hg19) VCF-style: chr14-23885253-TCG-CGAGGCCCAGAAGCCGA.
Other names: c.4911_4913delinsTCGGCTTCTGGGCCTCG, p.Glu1638fs (NM_001407004.1); short protein forms E1638fs.
Identifiers: ClinVar variation 3074200 (VCV003074200.1), dbSNP rs2502244526, ClinGen allele CA2825002210.

ClinVar aggregate classification (germline): Uncertain significance (1 of 4 stars; one submission).

Conditions:
Hypertrophic cardiomyopathy. Also called: HYPERTROPHIC MYOCARDIOPATHY. Identifiers: Orphanet 217569, MedGen C0007194, MeSH D002312, MONDO:0005045, HP:0001639.

Submission:

All of Us Research Program, National Institutes of Health
Classification: Uncertain significance for Hypertrophic cardiomyopathy. Last evaluated: 2023-10-27. Review status: criteria provided, single submitter. Criteria: ACMG Guidelines, 2015. Collection method: clinical testing. Allele origin: germline. Inheritance: Autosomal dominant inheritance. Observed: 1 variant allele, 1 heterozygote.
Comment: This study involves interpretation of variants in research participants for the purpose of population health screening. Participant phenotype was not available at the time of variant classification. Additional details can be found in publication PMID: 35346344, PMCID: PMC8962531